The following is an entry in ClinVar:

ClinVar aggregate classification (germline): Benign/Likely benign. Review status: criteria provided, multiple submitters, no conflicts (2 of 4 stars). 14 submissions from 14 submitters: Benign (9); Likely benign (4). 1 of the submissions does not count toward it. Last evaluated 2026-02-02.

Conditions:
LAMA2-related muscular dystrophy (LAMA2-RD). Also called: Laminin alpha 2-related dystrophy. Identifiers: MedGen C5679788, MONDO:0100228.
Merosin deficient congenital muscular dystrophy (MDC1A). Also called: Congenital merosin-deficient muscular dystrophy 1A; Congenital Muscular Dystrophy Type 1A (MDC1A). Identifiers: Orphanet 258, MedGen C1263858, MONDO:0011925, OMIM 607855.
Congenital muscular dystrophy due to partial LAMA2 deficiency. Identifiers: MedGen C1842898.

Allele frequency attached by ClinVar (database versions not stated): gnomAD exomes 0.00221; ExAC 0.00260; gnomAD 0.00850 and 0.00914; 1000 Genomes Project 0.00879; 1000 Genomes Project 30x 0.00921; TOPMed 0.00957; ESP Exome Variant Server 0.01046.
gnomAD v4.1: 2,640 of 1,612,334 alleles (0.16%); highest among the groups gnomAD compares: African/African-American, 3%; 30 homozygotes.

Submissions (14):

Labcorp Genetics (formerly Invitae), Labcorp
Classification: Benign for LAMA2-related muscular dystrophy. Last evaluated: 2026-02-02. Review status: criteria provided, single submitter. Criteria: Invitae Variant Classification Sherloc (09022015). Collection method: clinical testing. Allele origin: germline.

CeGaT Center for Human Genetics Tuebingen
Classification: Benign. Last evaluated: 2026-02-01. Review status: criteria provided, single submitter. Criteria: CeGaT Center For Human Genetics Tuebingen Variant Classification Criteria Version 2. Collection method: clinical testing. Allele origin: germline. Affected: yes. Observed: 5 variant alleles.
Comment: LAMA2: BS1, BS2

Genomic Medicine Center of Excellence, King Faisal Specialist Hospital and Research Centre
Classification: Likely benign. Last evaluated: 2025-08-18. Review status: criteria provided, single submitter. Criteria: ACMG Guidelines, 2015. Collection method: clinical testing. Allele origin: germline.

Women's Health and Genetics/Laboratory Corporation of America, LabCorp
Classification: Benign. Last evaluated: 2022-03-08. Review status: criteria provided, single submitter. Criteria: LabCorp Variant Classification Summary - May 2015. Collection method: clinical testing. Allele origin: germline.
Comment: Variant summary: LAMA2 c.7431A>T (p.Arg2477Ser) results in a non-conservative amino acid change in the encoded protein sequence. Four of five in-silico tools predict a damaging effect of the variant on protein function. The variant allele was found at a frequency of 0.0022 in 250318 control chromosomes, predominantly at a frequency of 0.029 within the African or African-American subpopulation in the gnomAD database, including 9 homozygotes. The observed variant frequency within African or African-American control individuals in the gnomAD database is approximately 12.97 fold of the estimated maximal expected allele frequency for a pathogenic variant in LAMA2 causing Laminin Alpha 2-Related Dystrophy phenotype (0.0022), strongly suggesting that the variant is a benign polymorphism found primarily in populations of African or African-American origin. Seven clinical diagnostic laboratories have submitted clinical-significance assessments for this variant to ClinVar after 2014 without evidence for independent evaluation. All laboratories classified the variant as benign/likely benign. Based on the evidence outlined above, the variant was classified as benign.

Mendelics
Classification: Benign for Merosin deficient congenital muscular dystrophy. Last evaluated: 2019-05-28. Review status: criteria provided, single submitter. Criteria: Mendelics Assertion Criteria 2017. Collection method: clinical testing. Allele origin: unknown.

Mayo Clinic Laboratories, Mayo Clinic
Classification: Benign. Last evaluated: 2018-05-03. Review status: criteria provided, single submitter. Criteria: ACMG Guidelines, 2015. Collection method: clinical testing. Allele origin: germline. Observed: 25 variant alleles.

Illumina Laboratory Services, Illumina
Classification: Likely benign for Congenital muscular dystrophy due to partial LAMA2 deficiency. Last evaluated: 2017-04-27. Review status: criteria provided, single submitter. Criteria: ICSL Variant Classification Criteria 13 December 2019. Collection method: clinical testing. Allele origin: germline.
Comment: This variant was observed as part of a predisposition screen in an ostensibly healthy population. A literature search was performed for the gene, cDNA change, and amino acid change (where applicable). Publications were found based on this search. The evidence from the literature, in combination with allele frequency data from public databases where available, was sufficient to determine this variant is unlikely to cause disease. Therefore, this variant is classified as likely benign.

Athena Diagnostics
Classification: Benign. Last evaluated: 2016-10-28. Review status: criteria provided, single submitter. Criteria: Athena Diagnostics Criteria. Collection method: clinical testing. Allele origin: germline.

GeneDx
Classification: Benign. Last evaluated: 2016-08-05. Review status: criteria provided, single submitter. Criteria: GeneDx Variant Classification (06012015). Collection method: clinical testing. Allele origin: germline. Affected: yes.
Comment: This variant is considered likely benign or benign based on one or more of the following criteria: it is a conservative change, it occurs at a poorly conserved position in the protein, it is predicted to be benign by multiple in silico algorithms, and/or has population frequency not consistent with disease.

Center for Pediatric Genomic Medicine, Children's Mercy Hospital and Clinics
Classification: Likely benign. Last evaluated: 2016-04-28. Review status: criteria provided, single submitter. Criteria: ACMG Guidelines, 2015. Collection method: clinical testing. Allele origin: germline.
ClinVar note: Converted during submission from Likely Benign to Likely benign.

Eurofins Ntd Llc (ga)
Classification: Benign. Last evaluated: 2016-03-01. Review status: criteria provided, single submitter. Criteria: EGL Classification Definitions 2015. Collection method: clinical testing. Allele origin: germline. Observed: 2 variant alleles, 2 heterozygotes.

Breakthrough Genomics
Classification: Likely benign. Review status: criteria provided, single submitter. Criteria: ACMG Guidelines, 2015. Collection method: not provided. Allele origin: germline. Inheritance: Autosomal recessive inheritance. Affected: yes.

PreventionGenetics, part of Exact Sciences
Classification: Benign. Review status: criteria provided, single submitter. Criteria: ACMG Guidelines, 2015. Collection method: clinical testing. Allele origin: germline.

Genetic Services Laboratory, University of Chicago
Classification: Likely benign for AllHighlyPenetrant. Review status: no assertion criteria provided. Collection method: clinical testing. Allele origin: germline. Inheritance: Autosomal recessive inheritance. Not counted in ClinVar's aggregate classification.
Comment: Likely benign based on allele frequency in 1000 Genomes Project or ESP global frequency and its presence in a patient with a rare or unrelated disease phenotype. NOT Sanger confirmed.

Literature cited by the submitters: PubMed 21953594 (cited by Illumina Laboratory Services, Illumina and Athena Diagnostics).

NM_000426.4(LAMA2):c.7431A>T (p.Arg2477Ser)

Gene: LAMA2 (laminin subunit alpha 2; plus strand). Cytogenetic location: 6q22.33.
Variant type: single nucleotide variant.
Coding change: c.7431A>T on transcript NM_000426.4 (MANE Select); coding-DNA position 7431, A replaced by T.
Protein change: p.Arg2477Ser; replaces arginine 2477 with serine.
Molecular consequence: missense variant.
Genome position (GRCh38, 1-based): chr6:129,473,344, A>T. VCF-style: chr6-129473344-A-T. GRCh37 (hg19) VCF-style: chr6-129794489-A-T.
Other names: c.7431A>T, p.Arg2477Ser (NM_001079823.2); short protein forms R2477S.
Identifiers: ClinVar variation 129442 (VCV000129442.55), dbSNP rs34367843, ClinGen allele CA153448.